The following is an entry in ClinVar:

ClinVar aggregate classification (germline): Pathogenic (1 of 4 stars; one submission).

Conditions:
Duchenne muscular dystrophy (DMD). Also called: Duchenne Muscular Dystrophy (DMD); MUSCULAR DYSTROPHY, PSEUDOHYPERTROPHIC PROGRESSIVE, DUCHENNE TYPE. Identifiers: Orphanet 98896, MedGen C0013264, MONDO:0010679, OMIM 310200.

Submission:

Labcorp Genetics (formerly Invitae), Labcorp
Classification: Pathogenic for Duchenne muscular dystrophy. Last evaluated: 2024-12-25. Review status: criteria provided, single submitter. Criteria: Invitae Variant Classification Sherloc (09022015). Collection method: clinical testing. Allele origin: germline.
Comment: This sequence change creates a premature translational stop signal (p.Phe647Cysfs*6) in the DMD gene. It is expected to result in an absent or disrupted protein product. Loss-of-function variants in DMD are known to be pathogenic (PMID: 16770791, 25007885). This variant is not present in population databases (gnomAD no frequency). This premature translational stop signal has been observed in individual(s) with Duchenne muscular dystrophy (PMID: 31443951). For these reasons, this variant has been classified as Pathogenic.

Literature cited by the submitters: PubMed 16770791; PubMed 25007885; PubMed 31443951.

NM_004006.3(DMD):c.1940_1941del (p.Phe647fs)

Gene: DMD (dystrophin; minus strand). Cytogenetic location: Xp21.1.
Variant type: Deletion.
Coding change: c.1940_1941del on transcript NM_004006.3 (MANE Select); coding-DNA positions 1940 to 1941, 2 bases deleted (TT; older notation c.1940_1941delTT).
Protein change: p.Phe647fs; shifts the reading frame from phenylalanine 647.
Molecular consequence: frameshift variant.
Genome position (GRCh38, 1-based): chrX:32,565,753-32,565,754, AA deleted on the plus strand (TT on the coding strand, the reverse complement: DMD is on the minus strand); deleting any 2 consecutive bases within chrX:32,565,753-32,565,755 gives the same sequence; the c. name uses the placement nearest the transcript's 3' end. VCF-style (leftmost placement, unchanged base first): chrX-32565752-CAA-C. GRCh37 (hg19) VCF-style: chrX-32583869-CAA-C.
Other names: c.1916_1917del, p.Phe639fs (NM_000109.4); c.1928_1929del, p.Phe643fs (NM_004009.3); c.1571_1572del, p.Phe524fs (NM_004010.3); short protein forms F647fs, F639fs, F524fs, F643fs.
Identifiers: ClinVar variation 3718688 (VCV003718688.2).